The following is an entry in ClinVar:

ClinVar aggregate classification (germline): Likely pathogenic. Review status: criteria provided, multiple submitters, no conflicts (2 of 4 stars). 3 submissions from 3 submitters: Likely pathogenic (3). Last evaluated 2026-04-14.

Conditions:
Adult hypophosphatasia. Identifiers: Orphanet 247676, Orphanet 436, MedGen C0268413, MONDO:1010154, OMIM 146300, MONDO:0007798.
Infantile hypophosphatasia. Identifiers: Orphanet 247651, Orphanet 436, MedGen C0268412, MONDO:1010169, OMIM 241500, MONDO:0009427.
Childhood hypophosphatasia. Identifiers: Orphanet 247667, Orphanet 436, MedGen C0220743, MONDO:1010168, OMIM 241510, MONDO:0009428.
Hypophosphatasia. Also called: Phosphoethanol-aminuria. Identifiers: Orphanet 436, MedGen C0020630, MeSH D007014, MONDO:0018570.

gnomAD v4.1: 2 of 1,613,988 alleles (0.00012%); highest among the groups gnomAD compares: Non-Finnish European, 0.00017%; no homozygotes.

Submissions (3):

JKU Lab, Dept of Paediatrics, Johannes Kepler University
Classification: Likely pathogenic for Hypophosphatasia. Last evaluated: 2026-04-14. Review status: criteria provided, single submitter. Criteria: ACMG Guidelines, 2015. Collection method: curation, in vitro. Allele origin: germline, not applicable. Affected: yes. Functional consequence: decreased enzyme activity.
Comment: This missense variant is present in GnomAD 4.1 (f = 6.841e-7) and affects a highly conserved amino acid in the calcium site domain. The variant is predicted to affect protein function (REVEL score: 0.936). Splice-prediction algorithms predict no effect on splicing. In vitro functional studies showed reduced ALP activity without a dominant negative effect. This variant has been reported in the literature in individuals affected by ALPL-related conditions (PMID:30049651). The results of the functional testing and the applied ACMG criteria can be viewed at an online resource

Genomenon, Inc
Classification: Likely pathogenic for Hypophosphatasia. Last evaluated: 2025-08-29. Review status: criteria provided, single submitter. Criteria: Genomenon Sequence Variant Interpretation Standards. Collection method: curation. Allele origin: germline. Affected: yes.
Comment: ALPL c.678G>A is a missense variant that changes the amino acid at residue 226 from Methionine to Isoleucine. This variant has been observed in at least one proband affected with hypophosphatasia (PMID:30049651;31600233;31178256). It is absent or not present at a significant frequency in gnomAD. In silico models agree that this variant is possibly or probably damaging. In conclusion, we classify ALPL p.Met226Ile (c.678G>A) as a likely pathogenic variant.

Fulgent Genetics
Classification: Likely pathogenic for Adult hypophosphatasia; Infantile hypophosphatasia; Childhood hypophosphatasia. Last evaluated: 2024-04-01. Review status: criteria provided, single submitter. Criteria: ACMG Guidelines, 2015. Collection method: clinical testing. Allele origin: germline.

Literature cited by the submitters: PubMed 30049651 (cited by JKU Lab, Dept of Paediatrics, Johannes Kepler University and Genomenon, Inc); PubMed 31600233 (cited by Genomenon, Inc); PubMed 31178256 (cited by Genomenon, Inc).

NM_000478.6(ALPL):c.678G>A (p.Met226Ile)

Gene: ALPL (alkaline phosphatase, biomineralization associated; plus strand). Cytogenetic location: 1p36.12.
Variant type: single nucleotide variant.
Coding change: c.678G>A on transcript NM_000478.6 (MANE Select); coding-DNA position 678, G replaced by A.
Protein change: p.Met226Ile; replaces methionine 226 with isoleucine.
Molecular consequence: missense variant.
Genome position (GRCh38, 1-based): chr1:21,568,133, G>A. VCF-style: chr1-21568133-G-A. GRCh37 (hg19) VCF-style: chr1-21894626-G-A.
Other names: c.513G>A, p.Met171Ile (NM_001127501.4); c.447G>A, p.Met149Ile (NM_001177520.3); c.678G>A, p.Met226Ile (NM_001369803.2, NM_001369804.2, NM_001369805.2); short protein forms M226I, M149I, M171I.
Identifiers: ClinVar variation 3580031 (VCV003580031.3).